The following is an entry in ClinVar:

NM_001376.5(DYNC1H1):c.12588C>T (p.Tyr4196=)

Gene: DYNC1H1 (dynein cytoplasmic 1 heavy chain 1; plus strand). Cytogenetic location: 14q32.31.
Variant type: single nucleotide variant.
Coding change: c.12588C>T on transcript NM_001376.5 (MANE Select); coding-DNA position 12588, C replaced by T.
Protein change: p.Tyr4196=; no amino-acid change (tyrosine 4196 retained).
Molecular consequence: synonymous variant.
Genome position (GRCh38, 1-based): chr14:102,043,949, C>T. VCF-style: chr14-102043949-C-T. GRCh37 (hg19) VCF-style: chr14-102510286-C-T.
Identifiers: ClinVar variation 696645 (VCV000696645.24), dbSNP rs749876358, ClinGen allele CA7353977.

ClinVar aggregate classification (germline): Benign/Likely benign. Review status: criteria provided, multiple submitters, no conflicts (2 of 4 stars). 7 submissions from 7 submitters: Benign (1); Likely benign (5). 1 of the submissions does not count toward it. Last evaluated 2026-04-20.

Conditions:
Charcot-Marie-Tooth disease axonal type 2O. Also called: Charcot-Marie-Tooth Neuropathy Type 2O; Charcot-Marie-Tooth disease, axonal, type 20; CHARCOT-MARIE-TOOTH NEUROPATHY, AXONAL, TYPE 2O; CHARCOT-MARIE-TOOTH DISEASE, AXONAL, AUTOSOMAL DOMINANT, TYPE 2O. Identifiers: Orphanet 284232, MedGen C3280220, MONDO:0013644, OMIM 614228.
DYNC1H1-related disorder. Also called: DYNC1H1-related disorders; DYNC1H1-related condition. Identifiers: MedGen CN381529.
Inborn genetic diseases. Identifiers: MedGen C0950123, MeSH D030342.

Allele frequency attached by ClinVar (database versions not stated): TOPMed 0.00003; ExAC 0.00004; gnomAD exomes 0.00004 and 0.00005; gnomAD 0.00005.
gnomAD v4.1: 81 of 1,614,122 alleles (0.005%); highest among the groups gnomAD compares: South Asian, 0.0099%; no homozygotes.

Submissions (7):

Women's Health and Genetics/Laboratory Corporation of America, LabCorp
Classification: Benign. Last evaluated: 2026-04-20. Review status: criteria provided, single submitter. Criteria: LabCorp Variant Classification Summary - May 2015. Collection method: clinical testing. Allele origin: germline.

Labcorp Genetics (formerly Invitae), Labcorp
Classification: Likely benign for Charcot-Marie-Tooth disease axonal type 2O. Last evaluated: 2025-11-24. Review status: criteria provided, single submitter. Criteria: Invitae Variant Classification Sherloc (09022015). Collection method: clinical testing. Allele origin: germline.

CeGaT Center for Human Genetics Tuebingen
Classification: Likely benign. Last evaluated: 2025-10-01. Review status: criteria provided, single submitter. Criteria: CeGaT Center For Human Genetics Tuebingen Variant Classification Criteria Version 2. Collection method: clinical testing. Allele origin: germline. Affected: yes. Observed: 1 variant allele.
Comment: DYNC1H1: BP4, BP7

Blueprint Genetics
Classification: Likely benign. Last evaluated: 2023-08-11. Review status: criteria provided, single submitter. Criteria: ACMG Guidelines, 2015. Collection method: clinical testing. Allele origin: germline.

Ambry Genetics
Classification: Likely benign for Inborn genetic diseases. Last evaluated: 2020-03-27. Review status: criteria provided, single submitter. Criteria: Ambry Variant Classification Scheme 2023. Collection method: clinical testing. Allele origin: germline.

GeneDx
Classification: Likely benign. Last evaluated: 2020-02-11. Review status: criteria provided, single submitter. Criteria: GeneDx Variant Classification Process June 2021. Collection method: clinical testing. Allele origin: germline. Affected: yes.

PreventionGenetics, part of Exact Sciences
Classification: Likely benign for DYNC1H1-related condition. Last evaluated: 2019-03-15. Review status: no assertion criteria provided. Collection method: clinical testing. Allele origin: germline. Not counted in ClinVar's aggregate classification.
Comment: This variant is classified as likely benign based on ACMG/AMP sequence variant interpretation guidelines (Richards et al. 2015 PMID: 25741868, with internal and published modifications).